The following is an entry in ClinVar:

NM_005378.6(MYCN):c.511G>C (p.Ala171Pro)

Gene: MYCN (MYCN proto-oncogene, bHLH transcription factor; plus strand). Cytogenetic location: 2p24.3.
Variant type: single nucleotide variant.
Coding change: c.511G>C on transcript NM_005378.6 (MANE Select); coding-DNA position 511, G replaced by C.
Protein change: p.Ala171Pro; replaces alanine 171 with proline.
Molecular consequence: missense variant. On other transcripts: 3 prime UTR variant (1), intron variant (1).
Genome position (GRCh38, 1-based): chr2:15,942,575, G>C. VCF-style: chr2-15942575-G-C. GRCh37 (hg19) VCF-style: chr2-16082697-G-C.
Other names: c.511G>C, p.Ala171Pro (NM_001293228.2); c.*446G>C (NM_001293233.2); c.157+1832G>C (NM_001293231.2); short protein forms A171P.
Identifiers: ClinVar variation 2106751 (VCV002106751.4), dbSNP rs756590478, ClinGen allele CA345931029.
Genomic context (GRCh38, chr2:15,942,575, plus strand): 5'-GGAGCCGGCGCCGCCAGCCCTGCGGGTCGCGGGCACGGCGGGGCTGCGGGAGCCGGCCGC[G>C]CCGGGGCCGCCCTGCCCGCCGAGCTCGCCCACCCGGCCGCCGAGTGCGTGGATCCCGCCG-3'
Protein context (NP_005369.2, residues 161-181): GHGGAAGAGR[Ala171Pro]GAALPAELAH

ClinVar aggregate classification (germline): Uncertain significance (1 of 4 stars; one submission).

Submission:

Labcorp Genetics (formerly Invitae), Labcorp
Classification: Uncertain significance. Last evaluated: 2022-03-04. Review status: criteria provided, single submitter. Criteria: Invitae Variant Classification Sherloc (09022015). Collection method: clinical testing. Allele origin: germline.
Comment: In summary, the available evidence is currently insufficient to determine the role of this variant in disease. Therefore, it has been classified as a Variant of Uncertain Significance. Algorithms developed to predict the effect of missense changes on protein structure and function are either unavailable or do not agree on the potential impact of this missense change (SIFT: "Tolerated"; PolyPhen-2: "Possibly Damaging"; Align-GVGD: "Class C0"). This variant has not been reported in the literature in individuals affected with MYCN-related conditions. The frequency data for this variant in the population databases is considered unreliable, as metrics indicate insufficient coverage at this position in the gnomAD database. This sequence change replaces alanine, which is neutral and non-polar, with proline, which is neutral and non-polar, at codon 171 of the MYCN protein (p.Ala171Pro).